The following is an entry in ClinVar:

NM_001130987.2(DYSF):c.4556A>T (p.Lys1519Ile)

Gene: DYSF (dysferlin; plus strand). Cytogenetic location: 2p13.2.
Variant type: single nucleotide variant.
Coding change: c.4556A>T on transcript NM_001130987.2 (MANE Select); coding-DNA position 4556, A replaced by T.
Protein change: p.Lys1519Ile; replaces lysine 1519 with isoleucine.
Molecular consequence: missense variant.
Genome position (GRCh38, 1-based): chr2:71,643,993, A>T. VCF-style: chr2-71643993-A-T. GRCh37 (hg19) VCF-style: chr2-71871123-A-T.
Other names: c.4493A>T, p.Lys1498Ile (NM_001130985.2); c.4400A>T, p.Lys1467Ile (NM_001130986.2); c.4439A>T, p.Lys1480Ile (NM_003494.4); c.4442A>T, p.Lys1481Ile (NM_001130455.2); c.4397A>T, p.Lys1466Ile (NM_001130976.2); c.4460A>T, p.Lys1487Ile (NM_001130977.2); c.4502A>T, p.Lys1501Ile (NM_001130978.2); c.4532A>T, p.Lys1511Ile (NM_001130979.2); and 5 more; short protein forms K1480I, K1512I, K1467I, K1497I, K1498I, K1501I, K1466I, K1481I.
Identifiers: ClinVar variation 2829309 (VCV002829309.3), dbSNP rs398123788, ClinGen allele CA347217870.

ClinVar aggregate classification (germline): Likely pathogenic (1 of 4 stars; one submission).

Conditions:
Neuromuscular disease caused by qualitative or quantitative defects of dysferlin. Also called: Qualitative or quantitative defects of dysferlin; Dysferlinopathy. Identifiers: Orphanet 207073, MedGen C2931687, MONDO:0016145.

Submission:

Labcorp Genetics (formerly Invitae), Labcorp
Classification: Likely pathogenic for Neuromuscular disease caused by qualitative or quantitative defects of dysferlin. Last evaluated: 2023-01-22. Review status: criteria provided, single submitter. Criteria: Invitae Variant Classification Sherloc (09022015). Collection method: clinical testing. Allele origin: germline.
Comment: In summary, the currently available evidence indicates that the variant is pathogenic, but additional data are needed to prove that conclusively. Therefore, this variant has been classified as Likely Pathogenic. This variant disrupts the p.Lys1480 amino acid residue in DYSF. Other variant(s) that disrupt this residue have been determined to be pathogenic (PMID: 15827562, 30564623, 30919934). This suggests that this residue is clinically significant, and that variants that disrupt this residue are likely to be disease-causing. Advanced modeling of protein sequence and biophysical properties (such as structural, functional, and spatial information, amino acid conservation, physicochemical variation, residue mobility, and thermodynamic stability) performed at Invitae indicates that this missense variant is expected to disrupt DYSF protein function. This variant has not been reported in the literature in individuals affected with DYSF-related conditions. This variant is not present in population databases (gnomAD no frequency). This sequence change replaces lysine, which is basic and polar, with isoleucine, which is neutral and non-polar, at codon 1480 of the DYSF protein (p.Lys1480Ile).

Literature cited by the submitters: PubMed 15827562; PubMed 30564623; PubMed 30919934.